The following is an entry in ClinVar:

NM_002055.5(GFAP):c.256A>G (p.Lys86Glu)

Gene: GFAP (glial fibrillary acidic protein; minus strand). Cytogenetic location: 17q21.31.
Variant type: single nucleotide variant.
Coding change: c.256A>G on transcript NM_002055.5 (MANE Select); coding-DNA position 256, A replaced by G.
Protein change: p.Lys86Glu; replaces lysine 86 with glutamic acid.
Molecular consequence: missense variant.
Genome position (GRCh38, 1-based): chr17:44,915,231, T>C on the plus strand (A>G on the coding strand, the complement: GFAP is on the minus strand). VCF-style: chr17-44915231-T-C. GRCh37 (hg19) VCF-style: chr17-42992599-T-C.
Other names: NM_002055.5(GFAP):c.256A>G; c.256A>G, p.Lys86Glu (NM_001131019.3, NM_001242376.3, NM_001363846.2); short protein forms K86E.
Identifiers: ClinVar variation 190338 (VCV000190338.4), dbSNP rs797044573, ClinGen allele CA347190.
Genomic context (GRCh38, chr17:44,915,231, plus strand): 5'-CCCGCAGCTGGTTCAGCTCAGCAGCCAGCGCCTTGTTTTGCTGTTCCAGGAAGCGAACCT[T>C]CTCGATGTAGCTGGCAAAGCGGTCATTGAGCTCCATCATCTCTGCCCGCTCACTGGCCCG-3'
Protein context (NP_002046.1, residues 76-96): LNDRFASYIE[Lys86Glu]VRFLEQQNKA

ClinVar aggregate classification (germline): Likely pathogenic. Review status: reviewed by expert panel (3 of 4 stars). 2 submissions from 2 submitters: Likely pathogenic (1). 1 of the submissions does not count toward it. Last evaluated 2026-10-19.

Conditions:
Alexander disease (ALXDRD). Also called: Alexander's disease. Identifiers: Orphanet 58, MedGen C0270726, MONDO:0008752, OMIM 203450.

Submissions (2):

ClinGen Leukodystrophy and Leukoencephalopathy Variant Curation Expert Panel, ClinGen
Classification: Likely pathogenic for Alexander disease. Last evaluated: 2026-10-19. Review status: reviewed by expert panel. Criteria: ClinGen Leuko ACMG Specifications GFAP V1.0. Collection method: curation. Allele origin: germline. Inheritance: Autosomal dominant inheritance.
Comment: The NM_002055.5(GFAP): c.256A>G (p.Lys86Glu) variant GFAP is a missense variant predicted to cause a substitution of lysine by glutamate at amino acid 86 (p.Lys86Glu). This variant has been identified as a de novo occurrence with unconfirmed parental relationships in one individual with a definite diagnosis of Alexander Disease per ClinGen Leukodystrophy and Leukoencephalopathy Expert Panel Specifications to the ACMG/AMP Variant Interpretation Guidelines for GFAP Version 1.0.0 who had elevated GFAP levels in plasma when compared to age-matched controls which is highly specific for Alexander disease (PM6 and PP4_Strong; the same proband was identified in PMIDs: 21572052, 21917775, 41513585 and MDBP Bioregistry). This variant resides within a region, amino acids 59 – 88, of GFAP that is defined as a region with significant missense constraint by the ClinGen Leukodystrophy and Leukoencephalopathy Expert Panel Specifications to the ACMG/AMP Variant Interpretation Guidelines for GFAP Version 1.0.0 (PM1). This variant is absent from gnomAD v[4.1.1] (PM2_Supporting). In summary, this variant meets the criteria to be classified as likely pathogenic for Alexander Disease based on the ACMG/AMP criteria applied, as specified by the ClinGen Leukodystrophy and Leukoencephalopathy VCEP: PM6, PP4_Strong, PM1, and PM2_Supporting (ClinGen Leukodystrophy and Leukoencephalopathy VCEP Specifications Version 1.0.0).

GeneReviews
No classification provided. Condition: Alexander disease. Review status: no classification provided. Collection method: literature only. Allele origin: germline. Affected: yes. Not counted in ClinVar's aggregate classification.

Literature cited by the submitters: PubMed 21917775 (cited by GeneReviews); PubMed 21572052 (cited by GeneReviews); NCBI Bookshelf NBK1172 (cited by GeneReviews).